The following is an entry in ClinVar:

NM_024675.4(PALB2):c.1618A>G (p.Asn540Asp)

Gene: PALB2 (partner and localizer of BRCA2; minus strand). Cytogenetic location: 16p12.2.
Variant type: single nucleotide variant.
Coding change: c.1618A>G on transcript NM_024675.4 (MANE Select); coding-DNA position 1618, A replaced by G.
Protein change: p.Asn540Asp; replaces asparagine 540 with aspartic acid.
Molecular consequence: missense variant.
Genome position (GRCh38, 1-based): chr16:23,634,928, T>C on the plus strand (A>G on the coding strand, the complement: PALB2 is on the minus strand). VCF-style: chr16-23634928-T-C. GRCh37 (hg19) VCF-style: chr16-23646249-T-C.
Other names: c.1558A>G, p.Asn520Asp (NM_001407296.1); c.1618A>G, p.Asn540Asp (NM_001407297.1, NM_001407298.1, NM_001407299.1 and 3 more transcripts); c.733A>G, p.Asn245Asp (NM_001407304.1, NM_001407305.1, NM_001407306.1 and 5 more transcripts); short protein forms N540D, N245D, N520D.
Identifiers: ClinVar variation 1776528 (VCV001776528.3), dbSNP rs2506471464, ClinGen allele CA395130376.
Genomic context (GRCh38, chr16:23,634,928, plus strand): 5'-CTTGAATAAATAATTTTTCGTGCTGATATTTGTGTGAGGTGACTTCTTCCTTGGACCTGT[T>C]AACAATCGACAGGCTAGAAGTTGGCAAAAGTGGTTCACAATGATCTGATGCTGGGGTGCA-3'
Protein context (NP_078951.2, residues 530-550): LLPTSSLSIV[Asn540Asp]RSKEEVTSHK

ClinVar aggregate classification (germline): Uncertain significance. Review status: criteria provided, multiple submitters, no conflicts (2 of 4 stars). 2 submissions from 2 submitters: Uncertain significance (2). Last evaluated 2025-07-02.

Conditions:
Hereditary cancer-predisposing syndrome. Also called: Neoplastic Syndromes, Hereditary; Tumor predisposition; Hereditary Cancer Syndrome; Hereditary neoplastic syndrome. Identifiers: Orphanet 140162, MedGen C0027672, MeSH D009386, MONDO:0015356.
Familial cancer of breast. Also called: BREAST CANCER, FAMILIAL; Hereditary breast cancer; hereditary breast carcinoma. Identifiers: Orphanet 227535, MedGen C0346153, MONDO:0016419, OMIM 114480. Disease mechanism: loss of function.

Submissions (2):

Labcorp Genetics (formerly Invitae), Labcorp
Classification: Uncertain significance for Familial cancer of breast. Last evaluated: 2025-07-02. Review status: criteria provided, single submitter. Criteria: Invitae Variant Classification Sherloc (09022015). Collection method: clinical testing. Allele origin: germline.
Comment: This sequence change replaces asparagine, which is neutral and polar, with aspartic acid, which is acidic and polar, at codon 540 of the PALB2 protein (p.Asn540Asp). This variant is not present in population databases (gnomAD no frequency). This variant has not been reported in the literature in individuals affected with PALB2-related conditions. ClinVar contains an entry for this variant (Variation ID: 1776528). Invitae Evidence Modeling of protein sequence and biophysical properties (such as structural, functional, and spatial information, amino acid conservation, physicochemical variation, residue mobility, and thermodynamic stability) indicates that this missense variant is not expected to disrupt PALB2 protein function with a negative predictive value of 80%. In summary, the available evidence is currently insufficient to determine the role of this variant in disease. Therefore, it has been classified as a Variant of Uncertain Significance.

Ambry Genetics
Classification: Uncertain significance for Hereditary cancer-predisposing syndrome. Last evaluated: 2020-02-18. Review status: criteria provided, single submitter. Criteria: Ambry Variant Classification Scheme 2023. Collection method: clinical testing. Allele origin: germline.
Comment: The p.N540D variant (also known as c.1618A>G), located in coding exon 4 of the PALB2 gene, results from an A to G substitution at nucleotide position 1618. The asparagine at codon 540 is replaced by aspartic acid, an amino acid with highly similar properties. This amino acid position is not well conserved in available vertebrate species. In addition, this alteration is predicted to be tolerated by in silico analysis. Since supporting evidence is limited at this time, the clinical significance of this alteration remains unclear.